The following is an entry in ClinVar:

NM_001114753.3(ENG):c.*558A>G

Gene: ENG (endoglin; minus strand). Cytogenetic location: 9q34.11.
Variant type: single nucleotide variant.
Coding change: c.*558A>G on transcript NM_001114753.3 (MANE Select); 558 bases downstream of the stop codon, A replaced by G.
Molecular consequence: 3 prime UTR variant.
Genome position (GRCh38, 1-based): chr9:127,815,124, T>C on the plus strand (A>G on the coding strand, the complement: ENG is on the minus strand). VCF-style: chr9-127815124-T-C. GRCh37 (hg19) VCF-style: chr9-130577403-T-C.
Other names: c.*793A>G (NM_000118.4); c.*558A>G (NM_001278138.2).
Identifiers: ClinVar variation 914942 (VCV000914942.6), dbSNP rs143099696, ClinGen allele CA200300657.

ClinVar aggregate classification (germline): Likely benign (1 of 4 stars; one submission).

Conditions:
Telangiectasia, hereditary hemorrhagic, type 1 (HHT1). Also called: Osler Weber Rendu syndrome type 1; ENG-Related Hereditary Hemorrhagic Telangiectasia. Identifiers: Orphanet 774, MedGen C4551861, MONDO:0008535, OMIM 187300. Disease mechanism: loss of function.

Allele frequency attached by ClinVar (database versions not stated): gnomAD 0.00006 and 0.00007; TOPMed 0.00009; 1000 Genomes Project 30x 0.00031; 1000 Genomes Project 0.00040.

Submission:

Illumina Laboratory Services, Illumina
Classification: Likely benign for Telangiectasia, hereditary hemorrhagic, type 1. Last evaluated: 2018-01-13. Review status: criteria provided, single submitter. Criteria: ICSL Variant Classification Criteria 13 December 2019. Collection method: clinical testing. Allele origin: germline.
Comment: This variant was observed in the ICSL laboratory as part of a predisposition screen in an ostensibly healthy population. It had not been previously curated by ICSL or reported in the Human Gene Mutation Database (HGMD: prior to June 1st, 2018), and was therefore a candidate for classification through an automated scoring system. Utilizing variant allele frequency, disease prevalence and penetrance estimates, and inheritance mode, an automated score was calculated to assess if this variant is too frequent to cause the disease. Based on the score and internal cut-off values, a variant classified as likely benign is not then subjected to further curation. The score for this variant resulted in a classification of likely benign for this disease.